The following is an entry in ClinVar:

NM_001244710.2(GFPT1):c.611G>A (p.Gly204Asp)

Gene: GFPT1 (glutamine--fructose-6-phosphate transaminase 1; minus strand). Cytogenetic location: 2p13.3.
Variant type: single nucleotide variant.
Coding change: c.611G>A on transcript NM_001244710.2 (MANE Select); coding-DNA position 611, G replaced by A.
Protein change: p.Gly204Asp; replaces glycine 204 with aspartic acid.
Molecular consequence: missense variant.
Genome position (GRCh38, 1-based): chr2:69,354,563, C>T on the plus strand (G>A on the coding strand, the complement: GFPT1 is on the minus strand). VCF-style: chr2-69354563-C-T. GRCh37 (hg19) VCF-style: chr2-69581695-C-T.
Other names: c.611G>A, p.Gly204Asp (NM_002056.4); short protein forms G204D.
Identifiers: ClinVar variation 1698222 (VCV001698222.8), dbSNP rs2104648108, ClinGen allele CA347130266.

ClinVar aggregate classification (germline): Uncertain significance. Review status: criteria provided, multiple submitters, no conflicts (2 of 4 stars). 2 submissions from 2 submitters: Uncertain significance (2). Last evaluated 2025-11-11.

Conditions:
Congenital myasthenic syndrome 12 (CMS12). Also called: Myasthenia, congenital, 12, with tubular aggregates; MYASTHENIC SYNDROME, CONGENITAL, WITH TUBULAR AGGREGATES 1. Identifiers: Orphanet 353327, Orphanet 590, MedGen C3552335, MONDO:0012518, OMIM 610542.

Submissions (2):

GeneDx
Classification: Uncertain significance. Last evaluated: 2025-11-11. Review status: criteria provided, single submitter. Criteria: GeneDx Variant Classification Process June 2021. Collection method: clinical testing. Allele origin: germline.
Comment: Not observed at significant frequency in large population cohorts (gnomAD); Missense variants in this gene are often considered pathogenic (HGMD); In silico analysis supports that this missense variant has a deleterious effect on protein structure/function; Has not been previously published as pathogenic or benign to our knowledge; This variant is associated with the following publications: (PMID: 23569079)

Labcorp Genetics (formerly Invitae), Labcorp
Classification: Uncertain significance for Congenital myasthenic syndrome 12. Last evaluated: 2022-11-01. Review status: criteria provided, single submitter. Criteria: Invitae Variant Classification Sherloc (09022015). Collection method: clinical testing. Allele origin: germline.
Comment: This variant is not present in population databases (gnomAD no frequency). This sequence change replaces glycine, which is neutral and non-polar, with aspartic acid, which is acidic and polar, at codon 204 of the GFPT1 protein (p.Gly204Asp). Advanced modeling of protein sequence and biophysical properties (such as structural, functional, and spatial information, amino acid conservation, physicochemical variation, residue mobility, and thermodynamic stability) performed at Invitae indicates that this missense variant is not expected to disrupt GFPT1 protein function. This variant has not been reported in the literature in individuals affected with GFPT1-related conditions. In summary, the available evidence is currently insufficient to determine the role of this variant in disease. Therefore, it has been classified as a Variant of Uncertain Significance.